The following is an entry in ClinVar:

ClinVar aggregate classification (germline): Uncertain significance. Review status: criteria provided, multiple submitters, no conflicts (2 of 4 stars). 2 submissions from 2 submitters: Uncertain significance (2). Last evaluated 2025-02-11.

Conditions:
Aicardi-Goutieres syndrome 7 (AGS7). Identifiers: Orphanet 51, MedGen C3888244, MONDO:0014367, OMIM 615846.
Singleton-Merten syndrome 1 (SGMRT1). Also called: Widened medullary cavities of bone, aortic calcification, abnormal dentition, and muscular weakness; Syndrome of widened medullary cavities of the metacarpals and phalanges, aortic calcification and abnormal dentition. Identifiers: Orphanet 85191, MedGen C4225427, MONDO:0024535, OMIM 182250.

gnomAD v4.1: 8 of 1,612,776 alleles (0.0005%); highest among the groups gnomAD compares: Non-Finnish European, 0.00051%; no homozygotes.

Submissions (2):

Labcorp Genetics (formerly Invitae), Labcorp
Classification: Uncertain significance for Aicardi-Goutieres syndrome 7; Singleton-Merten syndrome 1. Last evaluated: 2025-02-11. Review status: criteria provided, single submitter. Criteria: Invitae Variant Classification Sherloc (09022015). Collection method: clinical testing. Allele origin: germline.
Comment: This sequence change replaces isoleucine, which is neutral and non-polar, with threonine, which is neutral and polar, at codon 325 of the IFIH1 protein (p.Ile325Thr). This variant is not present in population databases (gnomAD no frequency). This variant has not been reported in the literature in individuals affected with IFIH1-related conditions. ClinVar contains an entry for this variant (Variation ID: 2922831). Invitae Evidence Modeling of protein sequence and biophysical properties (such as structural, functional, and spatial information, amino acid conservation, physicochemical variation, residue mobility, and thermodynamic stability) has been performed for this missense variant. However, the output from this modeling did not meet the statistical confidence thresholds required to predict the impact of this variant on IFIH1 protein function. In summary, the available evidence is currently insufficient to determine the role of this variant in disease. Therefore, it has been classified as a Variant of Uncertain Significance.

GeneDx
Classification: Uncertain significance. Last evaluated: 2023-10-09. Review status: criteria provided, single submitter. Criteria: GeneDx Variant Classification Process June 2021. Collection method: clinical testing. Allele origin: germline. Affected: yes.
Comment: Not observed at significant frequency in large population cohorts (gnomAD); In silico analysis supports that this missense variant does not alter protein structure/function; Has not been previously published as pathogenic or benign to our knowledge

NM_022168.4(IFIH1):c.974T>C (p.Ile325Thr)

Gene: IFIH1 (interferon induced with helicase C domain 1; minus strand). Cytogenetic location: 2q24.2.
Variant type: single nucleotide variant.
Coding change: c.974T>C on transcript NM_022168.4 (MANE Select); coding-DNA position 974, T replaced by C.
Protein change: p.Ile325Thr; replaces isoleucine 325 with threonine.
Molecular consequence: missense variant.
Genome position (GRCh38, 1-based): chr2:162,288,256, A>G on the plus strand (T>C on the coding strand, the complement: IFIH1 is on the minus strand). VCF-style: chr2-162288256-A-G. GRCh37 (hg19) VCF-style: chr2-163144766-A-G.
Other names: c.974T>C (NM_022168.3); short protein forms I325T.
Identifiers: ClinVar variation 2922831 (VCV002922831.4), dbSNP rs2468971445, ClinGen allele CA349004784.